The following is an entry in ClinVar:

NM_000256.3(MYBPC3):c.1385A>G (p.Asp462Gly)

Gene: MYBPC3 (myosin binding protein C3; minus strand). Cytogenetic location: 11p11.2.
Variant type: single nucleotide variant.
Coding change: c.1385A>G on transcript NM_000256.3 (MANE Select); coding-DNA position 1385, A replaced by G.
Protein change: p.Asp462Gly; replaces aspartic acid 462 with glycine.
Molecular consequence: missense variant.
Genome position (GRCh38, 1-based): chr11:47,342,902, T>C on the plus strand (A>G on the coding strand, the complement: MYBPC3 is on the minus strand). VCF-style: chr11-47342902-T-C. GRCh37 (hg19) VCF-style: chr11-47364453-T-C.
Other names: short protein forms D462G.
Identifiers: ClinVar variation 2847732 (VCV002847732.3), dbSNP rs1283761026, ClinGen allele CA380326188.

ClinVar aggregate classification (germline): Uncertain significance (1 of 4 stars; one submission).

Conditions:
Hypertrophic cardiomyopathy. Also called: HYPERTROPHIC MYOCARDIOPATHY. Identifiers: Orphanet 217569, MedGen C0007194, MeSH D002312, MONDO:0005045, HP:0001639.

Submission:

Labcorp Genetics (formerly Invitae), Labcorp
Classification: Uncertain significance for Hypertrophic cardiomyopathy. Last evaluated: 2023-03-20. Review status: criteria provided, single submitter. Criteria: Invitae Variant Classification Sherloc (09022015). Collection method: clinical testing. Allele origin: germline.
Comment: This sequence change replaces aspartic acid, which is acidic and polar, with glycine, which is neutral and non-polar, at codon 462 of the MYBPC3 protein (p.Asp462Gly). This variant is not present in population databases (gnomAD no frequency). This variant has not been reported in the literature in individuals affected with MYBPC3-related conditions. An algorithm developed to predict the effect of missense changes on protein structure and function (PolyPhen-2) suggests that this variant is likely to be disruptive. In summary, the available evidence is currently insufficient to determine the role of this variant in disease. Therefore, it has been classified as a Variant of Uncertain Significance.